The following is an entry in ClinVar:

NM_000916.4(OXTR):c.1104G>A (p.Ser368=)

Gene: OXTR (oxytocin receptor; minus strand). Cytogenetic location: 3p25.3.
Variant type: single nucleotide variant.
Coding change: c.1104G>A on transcript NM_000916.4 (MANE Select); coding-DNA position 1104, G replaced by A.
Protein change: p.Ser368=; no amino-acid change (serine 368 retained).
Molecular consequence: synonymous variant.
Genome position (GRCh38, 1-based): chr3:8,753,043, C>T on the plus strand (G>A on the coding strand, the complement: OXTR is on the minus strand). VCF-style: chr3-8753043-C-T. GRCh37 (hg19) VCF-style: chr3-8794729-C-T.
Other names: c.1104G>A, p.Ser368= (NM_001354653.2, NM_001354654.2, NM_001354655.2 and 1 more transcripts).
Identifiers: ClinVar variation 723037 (VCV000723037.12), dbSNP rs148736817, ClinGen allele CA2236409.

ClinVar aggregate classification (germline): Benign/Likely benign. Review status: criteria provided, multiple submitters, no conflicts (2 of 4 stars). 3 submissions from 3 submitters: Benign (2); Likely benign (1). Last evaluated 2026-09-01.

Allele frequency attached by ClinVar (database versions not stated): 1000 Genomes Project 30x 0.00109; 1000 Genomes Project 0.00120; gnomAD 0.00165 and 0.00168; TOPMed 0.00193; ExAC 0.00197; gnomAD exomes 0.00200 and 0.00213; ESP Exome Variant Server 0.00208.
gnomAD v4.1: 3,452 of 1,614,136 alleles (0.21%); highest among the groups gnomAD compares: Middle Eastern, 0.76%; 9 homozygotes.

Submissions (3):

CeGaT Center for Human Genetics Tuebingen
Classification: Likely benign. Last evaluated: 2026-09-01. Review status: criteria provided, single submitter. Criteria: CeGaT Center For Human Genetics Tuebingen Variant Classification Criteria Version 2. Collection method: clinical testing. Allele origin: germline. Affected: yes. Observed: 6 variant alleles.
Comment: OXTR: BP4, BP7

Labcorp Genetics (formerly Invitae), Labcorp
Classification: Benign. Last evaluated: 2018-07-10. Review status: criteria provided, single submitter. Criteria: Invitae Variant Classification Sherloc (09022015). Collection method: clinical testing. Allele origin: germline.

Breakthrough Genomics
Classification: Benign. Review status: criteria provided, single submitter. Criteria: ACMG Guidelines, 2015. Collection method: not provided. Allele origin: germline. Inheritance: Unknown mechanism. Affected: yes.